The following is an entry in ClinVar:

ClinVar aggregate classification (germline): Uncertain significance (1 of 4 stars; one submission).

Submission:

GeneDx
Classification: Uncertain significance. Last evaluated: 2024-10-07. Review status: criteria provided, single submitter. Criteria: GeneDx Variant Classification Process June 2021. Collection method: clinical testing. Allele origin: germline. Affected: yes.
Comment: Not observed at significant frequency in large population cohorts (gnomAD); In silico analysis supports that this missense variant has a deleterious effect on protein structure/function; Has not been previously published as pathogenic or benign to our knowledge

NM_004958.4(MTOR):c.808G>A (p.Glu270Lys)

Gene: MTOR (mechanistic target of rapamycin kinase; minus strand). Cytogenetic location: 1p36.22.
Variant type: single nucleotide variant.
Coding change: c.808G>A on transcript NM_004958.4 (MANE Select); coding-DNA position 808, G replaced by A.
Protein change: p.Glu270Lys; replaces glutamic acid 270 with lysine.
Molecular consequence: missense variant. On other transcripts: 5 prime UTR variant (1).
Genome position (GRCh38, 1-based): chr1:11,253,871, C>T on the plus strand (G>A on the coding strand, the complement: MTOR is on the minus strand). VCF-style: chr1-11253871-C-T. GRCh37 (hg19) VCF-style: chr1-11313928-C-T.
Other names: c.808G>A, p.Glu270Lys (NM_001386500.1); c.-332G>A (NM_001386501.1); short protein forms E270K.
Identifiers: ClinVar variation 3777532 (VCV003777532.1).